The following is an entry in ClinVar:

ClinVar aggregate classification (germline): Uncertain significance (1 of 4 stars; one submission).

Conditions:
Leigh syndrome (NULS). Also called: Leigh's necrotizing encephalopathy; Leigh's disease; Leigh Syndrome (mtDNA deletion); Leigh Disease; Subacute necrotizing encephalopathy; Necrotizing encephalopathy infantile subacute of Leigh. Identifiers: Orphanet 506, MedGen C2931891, MONDO:0009723, OMIM 256000.

Submission:

Wong Mito Lab, Molecular and Human Genetics, Baylor College of Medicine
Classification: Uncertain significance for Leigh syndrome. Last evaluated: 2019-10-17. Review status: criteria provided, single submitter. Criteria: Modified ACMG Guidelines (Unpublished). Collection method: clinical testing. Allele origin: germline.
Comment: The NC_012920.1:m.4082T>C (YP_003024026.1:p.Phe259Ser) variant in MTND1 gene is interpretated to be a Uncertain Significance variant based on the modified ACMG guidelines (unpublished). This variant meets the following evidence codes: no criteria

NC_012920.1(MT-ND1):m.4082T>C

Gene: MT-ND1 (mitochondrially encoded NADH dehydrogenase 1; plus strand).
Variant type: single nucleotide variant.
Genome position: chrM-4082-T-C.
Identifiers: ClinVar variation 692420 (VCV000692420.1), dbSNP rs1603219291, ClinGen allele CA414774148.